The following is an entry in ClinVar:

ClinVar aggregate classification (germline): Benign. Review status: criteria provided, multiple submitters, no conflicts (2 of 4 stars). 3 submissions from 3 submitters: Benign (2). 1 of the submissions does not count toward it. Last evaluated 2018-06-27.

Conditions:
CDC42BPB-related disorder.

Allele frequency attached by ClinVar (database versions not stated): gnomAD exomes 0.00112 and 0.00347; ExAC 0.00329; ESP Exome Variant Server 0.00861; 1000 Genomes Project 0.00899; gnomAD 0.00927 and 0.00985; 1000 Genomes Project 30x 0.00953; TOPMed 0.01051.
gnomAD v4.1: 3,067 of 1,614,168 alleles (0.19%); highest among the groups gnomAD compares: African/African-American, 2.9%; 41 homozygotes.

Submissions (3):

Labcorp Genetics (formerly Invitae), Labcorp
Classification: Benign. Last evaluated: 2018-06-27. Review status: criteria provided, single submitter. Criteria: Invitae Variant Classification Sherloc (09022015). Collection method: clinical testing. Allele origin: germline.

Breakthrough Genomics
Classification: Benign. Review status: criteria provided, single submitter. Criteria: ACMG Guidelines, 2015. Collection method: not provided. Allele origin: germline. Inheritance: Autosomal dominant inheritance. Affected: yes.

PreventionGenetics, part of Exact Sciences
Classification: Benign for CDC42BPB-related condition. Last evaluated: 2021-11-10. Review status: no assertion criteria provided. Collection method: clinical testing. Allele origin: germline. Not counted in ClinVar's aggregate classification.
Comment: This variant is classified as benign based on ACMG/AMP sequence variant interpretation guidelines (Richards et al. 2015 PMID: 25741868, with internal and published modifications).

NM_006035.4(CDC42BPB):c.2064C>T (p.Ser688=)

Gene: CDC42BPB (CDC42 binding protein kinase beta; minus strand). Cytogenetic location: 14q32.32.
Variant type: single nucleotide variant.
Coding change: c.2064C>T on transcript NM_006035.4 (MANE Select); coding-DNA position 2064, C replaced by T.
Protein change: p.Ser688=; no amino-acid change (serine 688 retained).
Molecular consequence: synonymous variant.
Genome position (GRCh38, 1-based): chr14:102,968,648, G>A on the plus strand (C>T on the coding strand, the complement: CDC42BPB is on the minus strand). VCF-style: chr14-102968648-G-A. GRCh37 (hg19) VCF-style: chr14-103434985-G-A.
Identifiers: ClinVar variation 769867 (VCV000769867.6), dbSNP rs55659700, ClinGen allele CA7361182.